The following is an entry in ClinVar:

NM_001410915.1(RGPD1):c.34C>G (p.Leu12Val)

Gene: RGPD1 (RANBP2 like and GRIP domain containing 1; plus strand). Cytogenetic location: 2p11.2.
Variant type: single nucleotide variant.
Coding change: c.34C>G on transcript NM_001410915.1; coding-DNA position 34, C replaced by G.
Protein change: p.Leu12Val; replaces leucine 12 with valine.
Molecular consequence: missense variant.
Genome position (GRCh38, 1-based): chr2:86,913,883, C>G. VCF-style: chr2-86913883-C-G. GRCh37 (hg19) VCF-style: chr2-87141006-C-G.
Other names: short protein forms L12V.
Identifiers: ClinVar variation 3250624 (VCV003250624.17), dbSNP rs548741541.
Genomic context (GRCh38, chr2:86,913,883, plus strand): 5'-CGTCTCGGGAGCCAGGTTGGCGGTGCGATGAGGCGCAGCAAGGCCTACGGGGAGCGGTAC[C>G]TCGCCTCGGTGCAGGGCTCCGCCCCGTCGCCTGGAAAGGTGAGTGGATCTCGAAGAGACC-3'

ClinVar aggregate classification (germline): Likely benign (1 of 4 stars; one submission).

Allele frequency attached by ClinVar (database versions not stated): ExAC 0.00067; 1000 Genomes Project 30x 0.00250; gnomAD 0.00209.

Submission:

CeGaT Center for Human Genetics Tuebingen
Classification: Likely benign. Last evaluated: 2024-06-01. Review status: criteria provided, single submitter. Criteria: CeGaT Center For Human Genetics Tuebingen Variant Classification Criteria Version 2. Collection method: clinical testing. Allele origin: germline. Affected: yes. Observed: 1 variant allele.
Comment: RGPD1: BP4, BS2